The following is an entry in ClinVar:

ClinVar aggregate classification (germline): Uncertain significance (1 of 4 stars; one submission).

Submission:

Labcorp Genetics (formerly Invitae), Labcorp
Classification: Uncertain significance. Last evaluated: 2022-06-05. Review status: criteria provided, single submitter. Criteria: Invitae Variant Classification Sherloc (09022015). Collection method: clinical testing. Allele origin: germline.
Comment: This sequence change replaces lysine, which is basic and polar, with glutamic acid, which is acidic and polar, at codon 1604 of the PCNT protein (p.Lys1604Glu). This variant is not present in population databases (gnomAD no frequency). This variant has not been reported in the literature in individuals affected with PCNT-related conditions. Algorithms developed to predict the effect of missense changes on protein structure and function output the following: SIFT: "Tolerated"; PolyPhen-2: "Benign"; Align-GVGD: "Class C0". The glutamic acid amino acid residue is found in multiple mammalian species, which suggests that this missense change does not adversely affect protein function. In summary, the available evidence is currently insufficient to determine the role of this variant in disease. Therefore, it has been classified as a Variant of Uncertain Significance.

NM_006031.6(PCNT):c.4810A>G (p.Lys1604Glu)

Gene: PCNT (pericentrin; plus strand). Cytogenetic location: 21q22.3.
Variant type: single nucleotide variant.
Coding change: c.4810A>G on transcript NM_006031.6 (MANE Select); coding-DNA position 4810, A replaced by G.
Protein change: p.Lys1604Glu; replaces lysine 1604 with glutamic acid.
Molecular consequence: missense variant.
Genome position (GRCh38, 1-based): chr21:46,401,569, A>G. VCF-style: chr21-46401569-A-G. GRCh37 (hg19) VCF-style: chr21-47821483-A-G.
Other names: c.4456A>G, p.Lys1486Glu (NM_001315529.2); short protein forms K1486E, K1604E.
Identifiers: ClinVar variation 2002524 (VCV002002524.4), dbSNP rs2518664637, ClinGen allele CA410581037.
Genomic context (GRCh38, chr21:46,401,569, plus strand): 5'-CCCAAATATTTGCCTAAAATAGAGTTCTTTTTTTTTTAATAGGATAAAGAGGTGTTAAAG[A>G]AACAGCAGATGAGTAGCTTGCTTCTGGCGTCCACGTTGCAGTCTACACTAGATGCAGGCA-3'
Protein context (NP_006022.3, residues 1594-1614): GLEQDKEVLK[Lys1604Glu]QQMSSLLLAS